The following is an entry in ClinVar:

NM_000548.5(TSC2):c.3610+4C>T

Gene: TSC2 (TSC complex subunit 2; plus strand). Cytogenetic location: 16p13.3.
Variant type: single nucleotide variant.
Coding change: c.3610+4C>T on transcript NM_000548.5 (MANE Select); 4 bases into the intron after coding-DNA position 3610, C replaced by T.
Molecular consequence: intron variant.
Genome position (GRCh38, 1-based): chr16:2,080,381, C>T. VCF-style: chr16-2080381-C-T. GRCh37 (hg19) VCF-style: chr16-2130382-C-T.
Other names: c.3610+4C>T (NM_001114382.3, NM_000548.4); c.3481+4C>T (NM_021055.3, NM_001370405.1, NM_001363528.2); c.3478+4C>T (NM_001370404.1, NM_001077183.3); c.3370+4C>T (NM_001318827.2); c.2878+4C>T (NM_001318831.2); c.3334+4C>T (NM_001318829.2); c.3511+4C>T (NM_001318832.2).
Identifiers: ClinVar variation 405961 (VCV000405961.24), dbSNP rs201978396, ClinGen allele CA047705.

ClinVar aggregate classification (germline): Conflicting classifications of pathogenicity. Review status: criteria provided, conflicting classifications (1 of 4 stars). 9 submissions from 9 submitters: Uncertain significance (1); Benign (1); Likely benign (7). Last evaluated 2025-12-10.

Conditions:
Tuberous sclerosis 2 (TSC2). Identifiers: Orphanet 805, MedGen C1860707, MONDO:0013199, OMIM 613254.
Isolated focal cortical dysplasia type II (FCORD2). Also called: CORTICAL DYSPLASIA OF TAYLOR; Focal cortical dysplasia type II. Identifiers: Orphanet 268994, MedGen C1846385, MONDO:0011818, OMIM 607341, HP:0032051.
Lymphangiomyomatosis (LAM). Also called: Lymphangioleiomyomatosis; Lymphangioleiomyomatosis, somatic. Identifiers: Orphanet 538, MedGen C0751674, MONDO:0011705, OMIM 606690.
Hereditary cancer-predisposing syndrome. Also called: Neoplastic Syndromes, Hereditary; Tumor predisposition; Hereditary Cancer Syndrome; Hereditary neoplastic syndrome. Identifiers: Orphanet 140162, MedGen C0027672, MeSH D009386, MONDO:0015356.
Tuberous sclerosis syndrome (TSC). Also called: Tuberous Sclerosis Complex; Tuberous sclerosis. Identifiers: Orphanet 805, MedGen C0041341, MONDO:0001734.

Allele frequency attached by ClinVar (database versions not stated): gnomAD exomes 0.00001 and 0.00002; gnomAD 0.00002 and 0.00003; TOPMed 0.00002; ExAC 0.00005; 1000 Genomes Project 30x 0.00016; 1000 Genomes Project 0.00020.
gnomAD v4.1: 15 of 1,610,888 alleles (0.00093%); highest among the groups gnomAD compares: East Asian, 0.02%; no homozygotes.

Submissions (9):

Labcorp Genetics (formerly Invitae), Labcorp
Classification: Benign for Tuberous sclerosis 2. Last evaluated: 2025-12-10. Review status: criteria provided, single submitter. Criteria: Invitae Variant Classification Sherloc (09022015). Collection method: clinical testing. Allele origin: germline.

Color Diagnostics, LLC DBA Color Health
Classification: Likely benign for Tuberous sclerosis syndrome. Last evaluated: 2025-07-18. Review status: criteria provided, single submitter. Criteria: ACMG Guidelines, 2015. Collection method: clinical testing. Allele origin: germline.

Women's Health and Genetics/Laboratory Corporation of America, LabCorp
Classification: Uncertain significance. Last evaluated: 2025-02-26. Review status: criteria provided, single submitter. Criteria: LabCorp Variant Classification Summary - May 2015. Collection method: clinical testing. Allele origin: germline.

Myriad Genetics, Inc.
Classification: Likely benign for Tuberous sclerosis 2. Last evaluated: 2024-08-23. Review status: criteria provided, single submitter. Criteria: Myriad Autosomal Dominant, Autosomal Recessive and X-Linked Classification Criteria (2023). Collection method: clinical testing. Allele origin: unknown.
Comment: This variant is considered likely benign. This variant is intronic and is not expected to impact mRNA splicing. This variant has been observed at a population frequency that is significantly greater than expected given the associated disease prevalence and penetrance.

Blueprint Genetics
Classification: Likely benign. Last evaluated: 2024-06-20. Review status: criteria provided, single submitter. Criteria: ACMG Guidelines, 2015. Collection method: clinical testing. Allele origin: germline.

Fulgent Genetics
Classification: Likely benign for Lymphangiomyomatosis; Isolated focal cortical dysplasia type II; Tuberous sclerosis 2. Last evaluated: 2024-04-13. Review status: criteria provided, single submitter. Criteria: ACMG Guidelines, 2015. Collection method: clinical testing. Allele origin: germline.

Sema4
Classification: Likely benign for Hereditary cancer-predisposing syndrome. Last evaluated: 2022-01-25. Review status: criteria provided, single submitter. Criteria: Sema4 Curation Guidelines. Collection method: curation. Allele origin: germline.

Genome-Nilou Lab
Classification: Likely benign for Tuberous sclerosis 2. Last evaluated: 2021-11-07. Review status: criteria provided, single submitter. Criteria: ACMG Guidelines, 2015. Collection method: clinical testing. Allele origin: germline. Affected: no.

Ambry Genetics
Classification: Likely benign for Hereditary cancer-predisposing syndrome. Last evaluated: 2021-03-12. Review status: criteria provided, single submitter. Criteria: Ambry Variant Classification Scheme 2023. Collection method: clinical testing. Allele origin: germline.